The following is an entry in ClinVar:

ClinVar aggregate classification (germline): Benign/Likely benign. Review status: criteria provided, multiple submitters, no conflicts (2 of 4 stars). 5 submissions from 5 submitters: Benign (1); Likely benign (3). 1 of the submissions does not count toward it. Last evaluated 2026-07-27.

Conditions:
SMARCA4-related disorder. Also called: SMARCA4-related condition.
Hereditary cancer-predisposing syndrome. Also called: Hereditary Cancer Syndrome; Tumor predisposition; Hereditary neoplastic syndrome; Neoplastic Syndromes, Hereditary. Identifiers: Orphanet 140162, MedGen C0027672, MeSH D009386, MONDO:0015356.
Rhabdoid tumor predisposition syndrome 2 (RTPS2). Identifiers: Orphanet 231108, Orphanet 69077, MedGen C2750074, MONDO:0013224, OMIM 613325.

Allele frequency attached by ClinVar (database versions not stated): gnomAD 0.00019 and 0.00018; 1000 Genomes Project 0.00040; TOPMed 0.00018; gnomAD exomes 0.00003; ESP Exome Variant Server 0.00009; ExAC 0.00010; 1000 Genomes Project 30x 0.00031.
gnomAD v4.1: 78 of 1,551,172 alleles (0.005%); highest among the groups gnomAD compares: African/African-American, 0.056%; no homozygotes.

Submissions (5):

Myriad Genetics, Inc.
Classification: Benign for Rhabdoid tumor predisposition syndrome 2. Last evaluated: 2026-07-27. Review status: criteria provided, single submitter. Criteria: Myriad Autosomal Dominant, Autosomal Recessive and X-Linked Classification Criteria (2023). Collection method: clinical testing. Allele origin: unknown.
Comment: This variant is considered benign. This variant is a silent/synonymous amino acid change and it is not expected to impact splicing.

Labcorp Genetics (formerly Invitae), Labcorp
Classification: Likely benign for Rhabdoid tumor predisposition syndrome 2. Last evaluated: 2026-01-26. Review status: criteria provided, single submitter. Criteria: Invitae Variant Classification Sherloc (09022015). Collection method: clinical testing. Allele origin: germline.

Sema4
Classification: Likely benign for Hereditary cancer-predisposing syndrome. Last evaluated: 2021-09-12. Review status: criteria provided, single submitter. Criteria: Sema4 Curation Guidelines. Collection method: curation. Allele origin: germline.

Ambry Genetics
Classification: Likely benign for Hereditary cancer-predisposing syndrome. Last evaluated: 2015-11-11. Review status: criteria provided, single submitter. Criteria: Ambry Variant Classification Scheme 2023. Collection method: clinical testing. Allele origin: germline.

PreventionGenetics, part of Exact Sciences
Classification: Likely benign for SMARCA4-related condition. Last evaluated: 2022-09-22. Review status: no assertion criteria provided. Collection method: clinical testing. Allele origin: germline. Not counted in ClinVar's aggregate classification.
Comment: This variant is classified as likely benign based on ACMG/AMP sequence variant interpretation guidelines (Richards et al. 2015 PMID: 25741868, with internal and published modifications).

NM_003072.5(SMARCA4):c.4875C>T (p.Val1625=)

Gene: SMARCA4 (SWI/SNF related BAF chromatin remodeling complex subunit ATPase 4; plus strand). Cytogenetic location: 19p13.2.
Variant type: single nucleotide variant.
Coding change: c.4875C>T on transcript NM_003072.5 (MANE Select); coding-DNA position 4875, C replaced by T.
Protein change: p.Val1625=; no amino-acid change (valine 1625 retained).
Molecular consequence: synonymous variant. On other transcripts: non-coding transcript variant (1).
Genome position (GRCh38, 1-based): chr19:11,060,151, C>T. VCF-style: chr19-11060151-C-T. GRCh37 (hg19) VCF-style: chr19-11170827-C-T.
Other names: c.4875C>T, p.Val1625= (NM_001128844.3); c.4785C>T, p.Val1595= (NM_001128845.2); c.4782C>T, p.Val1594= (NM_001128846.2); c.4776C>T, p.Val1592= (NM_001128847.4, NM_001374457.1); c.4773C>T, p.Val1591= (NM_001128848.2); c.4971C>T, p.Val1657= (NM_001128849.3, NM_001387283.1).
Identifiers: ClinVar variation 238498 (VCV000238498.20), dbSNP rs146427223, ClinGen allele CA9204891.